The following is an entry in ClinVar:

ClinVar aggregate classification (germline): Benign. Review status: criteria provided, multiple submitters, no conflicts (2 of 4 stars). 2 submissions from 2 submitters: Benign (2). Last evaluated 2018-01-12.

Conditions:
Congenital generalized lipodystrophy type 1 (CGL1). Also called: BRUNZELL SYNDROME, AGPAT2-RELATED; Berardinelli-Seip Congenital Lipodystrophy Type 1. Identifiers: Orphanet 528, Orphanet 696189, MedGen C1720862, MONDO:0012071, OMIM 608594.

Allele frequency attached by ClinVar (database versions not stated): gnomAD exomes 0.00259; gnomAD 0.01249 and 0.01334; 1000 Genomes Project 0.01378; TOPMed 0.01415; 1000 Genomes Project 30x 0.01483.
gnomAD v4.1: 2,623 of 412,886 alleles (0.64%); highest among the groups gnomAD compares: African/African-American, 4%; 46 homozygotes.

Submissions (2):

Illumina Laboratory Services, Illumina
Classification: Benign for Congenital generalized lipodystrophy type 1. Last evaluated: 2018-01-12. Review status: criteria provided, single submitter. Criteria: ICSL Variant Classification Criteria 13 December 2019. Collection method: clinical testing. Allele origin: germline.
Comment: This variant was observed in the ICSL laboratory as part of a predisposition screen in an ostensibly healthy population. It had not been previously curated by ICSL or reported in the Human Gene Mutation Database (HGMD: prior to June 1st, 2018), and was therefore a candidate for classification through an automated scoring system. Utilizing variant allele frequency, disease prevalence and penetrance estimates, and inheritance mode, an automated score was calculated to assess if this variant is too frequent to cause the disease. Based on the score and internal cut-off values, a variant classified as benign is not then subjected to further curation. The score for this variant resulted in a classification of benign for this disease.

Breakthrough Genomics
Classification: Benign. Review status: criteria provided, single submitter. Criteria: ACMG Guidelines, 2015. Collection method: not provided. Allele origin: germline. Inheritance: Autosomal recessive inheritance. Affected: yes.

NM_006412.4(AGPAT2):c.*239G>A

Gene: AGPAT2 (1-acylglycerol-3-phosphate O-acyltransferase 2; minus strand). Cytogenetic location: 9q34.3.
Variant type: single nucleotide variant.
Coding change: c.*239G>A on transcript NM_006412.4 (MANE Select); 239 bases downstream of the stop codon, G replaced by A.
Molecular consequence: 3 prime UTR variant.
Genome position (GRCh38, 1-based): chr9:136,673,513, C>T on the plus strand (G>A on the coding strand, the complement: AGPAT2 is on the minus strand). VCF-style: chr9-136673513-C-T. GRCh37 (hg19) VCF-style: chr9-139567965-C-T.
Other names: c.*239G>A (NM_001012727.2).
Identifiers: ClinVar variation 365907 (VCV000365907.6), dbSNP rs56310643, ClinGen allele CA10626916.